The following is an entry in ClinVar:

ClinVar aggregate classification (germline): Benign (0 of 4 stars; one submission).

Conditions:
TRPM3-related disorder. Also called: TRPM3-related condition.

Allele frequency attached by ClinVar (database versions not stated): ExAC 0.00543; 1000 Genomes Project 0.02037; ESP Exome Variant Server 0.02122; 1000 Genomes Project 30x 0.02186.
gnomAD v4.1: 5,512 of 1,613,920 alleles (0.34%); highest among the groups gnomAD compares: African/African-American, 6.2%; 143 homozygotes.

Submission:

PreventionGenetics, part of Exact Sciences
Classification: Benign for TRPM3-related condition. Last evaluated: 2019-02-19. Review status: no assertion criteria provided. Collection method: clinical testing. Allele origin: germline.
Comment: This variant is classified as benign based on ACMG/AMP sequence variant interpretation guidelines (Richards et al. 2015 PMID: 25741868, with internal and published modifications).

NM_001366145.2(TRPM3):c.2673G>A (p.Ala891=)

Gene: TRPM3 (transient receptor potential cation channel subfamily M member 3; minus strand). Cytogenetic location: 9q21.12.
Variant type: single nucleotide variant.
Coding change: c.2673G>A on transcript NM_001366145.2 (MANE Select); coding-DNA position 2673, G replaced by A.
Protein change: p.Ala891=; no amino-acid change (alanine 891 retained).
Molecular consequence: synonymous variant.
Genome position (GRCh38, 1-based): chr9:70,603,465, C>T on the plus strand (G>A on the coding strand, the complement: TRPM3 is on the minus strand). VCF-style: chr9-70603465-C-T. GRCh37 (hg19) VCF-style: chr9-73218381-C-T.
Other names: c.2637G>A, p.Ala879= (NM_001007471.4, NM_001366151.2); c.2643G>A, p.Ala881= (NM_001366141.2, NM_001366143.2, NM_001366149.2); c.2679G>A, p.Ala893= (NM_001366142.2); c.2673G>A, p.Ala891= (NM_001366146.2); c.2748G>A, p.Ala916= (NM_001366147.2, NM_001366152.2); c.2718G>A, p.Ala906= (NM_001366148.2); c.2607G>A, p.Ala869= (NM_001366150.2); c.2214G>A, p.Ala738= (NM_001366154.2, NM_024971.7); and 5 more.
Identifiers: ClinVar variation 3037780 (VCV003037780.2), dbSNP rs35390807, ClinGen allele CA5078224.